The following is an entry in ClinVar:

ClinVar aggregate classification (germline): Uncertain significance (1 of 4 stars; one submission).

Conditions:
Developmental and epileptic encephalopathy, 78. Also called: EPILEPTIC ENCEPHALOPATHY, EARLY INFANTILE, 78. Identifiers: MedGen C5231409, MONDO:0032812, OMIM 618557.

gnomAD v4.1: 1 of 1,611,536 alleles (0.000062%); no homozygotes.

Submission:

Dasa
Classification: Uncertain significance for Developmental and epileptic encephalopathy, 78. Last evaluated: 2025-01-09. Review status: criteria provided, single submitter. Criteria: DASA Assertion Criteria. Collection method: clinical testing. Allele origin: germline.
Comment: NM_000807.4(GABRA2):c.1124C>T (p.Ala375Val) is a missense variant that results in the substitution of alanine with valine. This variant is rare in population databases. The currently available literature and clinical evidence are not sufficient to establish a definitive association between this variant and the reported condition. Therefore, this variant is classified as a variant of uncertain significance.

NM_000807.4(GABRA2):c.1124C>T (p.Ala375Val)

Gene: GABRA2 (gamma-aminobutyric acid type A receptor subunit alpha2; minus strand). Cytogenetic location: 4p12.
Variant type: single nucleotide variant.
Coding change: c.1124C>T on transcript NM_000807.4 (MANE Select); coding-DNA position 1124, C replaced by T.
Protein change: p.Ala375Val; replaces alanine 375 with valine.
Molecular consequence: missense variant.
Genome position (GRCh38, 1-based): chr4:46,250,540, G>A on the plus strand (C>T on the coding strand, the complement: GABRA2 is on the minus strand). VCF-style: chr4-46250540-G-A. GRCh37 (hg19) VCF-style: chr4-46252557-G-A.
Other names: c.1124C>T, p.Ala375Val (NM_001377151.1, NM_001114175.3, NM_001377146.1 and 4 more transcripts); c.959C>T, p.Ala320Val (NM_001377152.1, NM_001377153.1, NM_001377154.1); c.1139C>T, p.Ala380Val (NM_001286827.3); c.1304C>T, p.Ala435Val (NM_001330690.2, NM_001377144.1, NM_001377145.1); short protein forms A320V, A375V, A380V, A435V.
Identifiers: ClinVar variation 4880959 (VCV004880959.2).
Genomic context (GRCh38, chr4:46,250,540, plus strand): 5'-TCTGGCGTGGTTGCACTCTTGGAGATGGTGGAGAGAACTGGATCTTTTGAAAGATTCGGG[G>A]CATAATTGGCAACAGCCACTGCATAAGCGTTGTTCTGTATCATAACGGAAGCCTTTTCTT-3'
Protein context (NP_000798.2, residues 365-385): NAYAVAVANY[Ala375Val]PNLSKDPVLS